The following is an entry in ClinVar:

NM_001003787.4(STRADA):c.1100+29C>T

Gene: STRADA (STE20 related adaptor alpha; minus strand). Cytogenetic location: 17q23.3.
Variant type: single nucleotide variant.
Coding change: c.1100+29C>T on transcript NM_001003787.4 (MANE Select); 29 bases into the intron after coding-DNA position 1100, C replaced by T.
Molecular consequence: intron variant. On other transcripts: 3 prime UTR variant (3), missense variant (1).
Genome position (GRCh38, 1-based): chr17:63,704,312, G>A on the plus strand (C>T on the coding strand, the complement: STRADA is on the minus strand). VCF-style: chr17-63704312-G-A. GRCh37 (hg19) VCF-style: chr17-61781672-G-A.
Other names: c.926+29C>T (NM_001003788.3); c.1009+120C>T (NM_001363788.1); c.*567C>T (NM_001411083.1, NM_001411084.1); c.*578C>T (NM_001411085.1); c.1018C>T, p.Arg340Trp (NM_153335.6); c.898+120C>T (NM_001363789.1); c.989+29C>T (NM_001003786.3); c.835+120C>T (NM_001363790.1, NM_001363791.1); and 4 more; short protein forms R340W.
Identifiers: ClinVar variation 3025723 (VCV003025723.22), dbSNP rs747631744, ClinGen allele CA8703136.

ClinVar aggregate classification (germline): Likely benign (1 of 4 stars; one submission).

Allele frequency attached by ClinVar (database versions not stated): gnomAD 0.00003; gnomAD exomes 0.00003; TOPMed 0.00003; ExAC 0.00005.
gnomAD v4.1: 44 of 1,609,786 alleles (0.0027%); highest among the groups gnomAD compares: Middle Eastern, 0.019%; no homozygotes.

Submission:

CeGaT Center for Human Genetics Tuebingen
Classification: Likely benign. Last evaluated: 2024-02-01. Review status: criteria provided, single submitter. Criteria: CeGaT Center For Human Genetics Tuebingen Variant Classification Criteria Version 2. Collection method: clinical testing. Allele origin: germline. Affected: yes. Observed: 1 variant allele.
Comment: STRADA: BP4